The following is an entry in ClinVar:

NM_001363711.2(DUOX2):c.1529G>A (p.Arg510Gln)

Gene: DUOX2 (dual oxidase 2; minus strand). Cytogenetic location: 15q21.1.
Variant type: single nucleotide variant.
Coding change: c.1529G>A on transcript NM_001363711.2 (MANE Select); coding-DNA position 1529, G replaced by A.
Protein change: p.Arg510Gln; replaces arginine 510 with glutamine.
Molecular consequence: missense variant.
Genome position (GRCh38, 1-based): chr15:45,108,092, C>T on the plus strand (G>A on the coding strand, the complement: DUOX2 is on the minus strand). VCF-style: chr15-45108092-C-T. GRCh37 (hg19) VCF-style: chr15-45400290-C-T.
Other names: c.1529G>A, p.Arg510Gln (NM_014080.5); short protein forms R510Q.
Identifiers: ClinVar variation 1444418 (VCV001444418.7), dbSNP rs373873476, ClinGen allele CA7538589.

ClinVar aggregate classification (germline): Uncertain significance (1 of 4 stars; one submission).

Allele frequency attached by ClinVar (database versions not stated): ExAC 0.00002; gnomAD 0.00004 and 0.00005; TOPMed 0.00004; ESP Exome Variant Server 0.00008.
gnomAD v4.1: 96 of 1,613,948 alleles (0.0059%); highest among the groups gnomAD compares: Non-Finnish European, 0.0064%; no homozygotes.

Submission:

Labcorp Genetics (formerly Invitae), Labcorp
Classification: Uncertain significance. Last evaluated: 2025-10-15. Review status: criteria provided, single submitter. Criteria: Invitae Variant Classification Sherloc (09022015). Collection method: clinical testing. Allele origin: germline.
Comment: This sequence change replaces arginine, which is basic and polar, with glutamine, which is neutral and polar, at codon 510 of the DUOX2 protein (p.Arg510Gln). This variant is present in population databases (rs373873476, gnomAD 0.009%). This variant has not been reported in the literature in individuals affected with DUOX2-related conditions. ClinVar contains an entry for this variant (Variation ID: 1444418). Invitae Evidence Modeling of protein sequence and biophysical properties (such as structural, functional, and spatial information, amino acid conservation, physicochemical variation, residue mobility, and thermodynamic stability) indicates that this missense variant is expected to disrupt DUOX2 protein function with a positive predictive value of 80%. In summary, the available evidence is currently insufficient to determine the role of this variant in disease. Therefore, it has been classified as a Variant of Uncertain Significance.